The following is an entry in ClinVar:

NM_002296.4(LBR):c.1174G>A (p.Gly392Arg)

Gene: LBR (lamin B receptor; minus strand). Cytogenetic location: 1q42.12.
Variant type: single nucleotide variant.
Coding change: c.1174G>A on transcript NM_002296.4 (MANE Select); coding-DNA position 1174, G replaced by A.
Protein change: p.Gly392Arg; replaces glycine 392 with arginine.
Molecular consequence: missense variant.
Genome position (GRCh38, 1-based): chr1:225,411,351, C>T on the plus strand (G>A on the coding strand, the complement: LBR is on the minus strand). VCF-style: chr1-225411351-C-T. GRCh37 (hg19) VCF-style: chr1-225599053-C-T.
Other names: c.1174G>A, p.Gly392Arg (NM_194442.3); short protein forms G392R.
Identifiers: ClinVar variation 446676 (VCV000446676.6), dbSNP rs1236962991, ClinGen allele CA344996417.

ClinVar aggregate classification (germline): Likely pathogenic. Review status: criteria provided, single submitter (1 of 4 stars). 3 submissions from 3 submitters: Likely pathogenic (1). 2 of the submissions do not count toward it. Last evaluated 2025-09-11.

Conditions:
Jeune thoracic dystrophy. Also called: Jeune syndrome; Infantile thoracic dystrophy; Thoracic pelvic phalangeal dystrophy; Jeune's syndrome; Chondroectodermal dysplasia-like syndrome; Short-rib thoracic dysplasia. Identifiers: Orphanet 474, MedGen C0265275, MONDO:0018770.

Allele frequency attached by ClinVar (database versions not stated): gnomAD below 0.00001 and 0.00001; gnomAD exomes below 0.00001.

Submissions (3):

Labcorp Genetics (formerly Invitae), Labcorp
Classification: Likely pathogenic. Last evaluated: 2025-09-11. Review status: criteria provided, single submitter. Criteria: Invitae Variant Classification Sherloc (09022015). Collection method: clinical testing. Allele origin: germline.
Comment: This sequence change replaces glycine, which is neutral and non-polar, with arginine, which is basic and polar, at codon 392 of the LBR protein (p.Gly392Arg). This variant is present in population databases (no rsID available, gnomAD 0.0009%). This missense change has been observed in individual(s) with clinical features of autosomal recessive LBR-related conditions (PMID: 29068549). In at least one individual the data is consistent with being in trans (on the opposite chromosome) from a pathogenic variant. ClinVar contains an entry for this variant (Variation ID: 446676). Invitae Evidence Modeling of protein sequence and biophysical properties (such as structural, functional, and spatial information, amino acid conservation, physicochemical variation, residue mobility, and thermodynamic stability) indicates that this missense variant is expected to disrupt LBR protein function with a positive predictive value of 80%. Algorithms developed to predict the effect of sequence changes on RNA splicing suggest that this variant may disrupt the consensus splice site. In summary, the currently available evidence indicates that the variant is pathogenic, but additional data are needed to prove that conclusively. Therefore, this variant has been classified as Likely Pathogenic.

Dan Cohn Lab, University Of California Los Angeles
Classification: Pathogenic for Asphyxiating thoracic dystrophy. Last evaluated: 2017-06-01. Review status: no assertion criteria provided. Collection method: research. Allele origin: maternal. Affected: yes. Not counted in ClinVar's aggregate classification.

University of Washington Center for Mendelian Genomics, University of Washington
Classification: Likely pathogenic for asphyxiating thoracic dystrophy. Review status: no assertion criteria provided. Collection method: research. Allele origin: inherited. Affected: yes. Not counted in ClinVar's aggregate classification.

Literature cited by the submitters: PubMed 29068549 (cited by 3 submitters).